The following is an entry in ClinVar:

ClinVar aggregate classification (germline): Benign/Likely benign. Review status: criteria provided, multiple submitters, no conflicts (2 of 4 stars). 7 submissions from 7 submitters: Benign (1); Likely benign (6). Last evaluated 2025-12-13.

Conditions:
Monogenic diabetes. Identifiers: Orphanet 183625, MedGen C3888631, MONDO:0015967.

Allele frequency attached by ClinVar (database versions not stated): ExAC 0.00138; 1000 Genomes Project 0.00240; 1000 Genomes Project 30x 0.00250; gnomAD 0.00404 and 0.00436; TOPMed 0.00466; ESP Exome Variant Server 0.00484.
gnomAD v4.1: 1,337 of 1,614,152 alleles (0.083%); highest among the groups gnomAD compares: African/African-American, 1.5%; 8 homozygotes.

Submissions (8):

Labcorp Genetics (formerly Invitae), Labcorp
Classification: Benign. Last evaluated: 2025-12-13. Review status: criteria provided, single submitter. Criteria: Invitae Variant Classification Sherloc (09022015). Collection method: clinical testing. Allele origin: germline.

Genomic Medicine Center of Excellence, King Faisal Specialist Hospital and Research Centre
Classification: Likely benign. Last evaluated: 2025-08-18. Review status: criteria provided, single submitter. Criteria: ACMG Guidelines, 2015. Collection method: clinical testing. Allele origin: germline.

GeneDx
Classification: Likely benign. Last evaluated: 2025-04-04. Review status: criteria provided, single submitter. Criteria: GeneDx Variant Classification Process June 2021. Collection method: clinical testing. Allele origin: germline. Affected: yes.
Comment: See Variant Classification Assertion Criteria.

Blueprint Genetics
Classification: Likely benign. Last evaluated: 2024-11-23. Review status: criteria provided, single submitter. Criteria: ACMG Guidelines, 2015. Collection method: clinical testing. Allele origin: germline.

Genetic Services Laboratory, University of Chicago
Classification: Likely benign. Last evaluated: 2021-07-08. Review status: criteria provided, single submitter. Criteria: ACMG Guidelines, 2015. Collection method: clinical testing. Allele origin: germline. Affected: no.

Personalized Diabetes Medicine Program, University of Maryland School of Medicine
Classification: Likely benign for Monogenic diabetes. Last evaluated: 2017-11-10. Review status: criteria provided, single submitter. Criteria: ACMG Guidelines, 2015. Collection method: research. Allele origin: unknown. Observed: 2 variant alleles, 2 heterozygotes.
Comment: ACMG criteria: PP3 (4 predictors), BP4 (6 predictors), BS2 (42 cases and 33 controls in an online resource)=likely benign

Breakthrough Genomics
Classification: Likely benign. Review status: criteria provided, single submitter. Criteria: ACMG Guidelines, 2015. Collection method: not provided. Allele origin: germline. Inheritance: Autosomal recessive inheritance. Affected: yes.

Dr. Peter K. Rogan Lab, Western University
No classification provided (evidence only). Condition: Uterine corpus endometrial carcinoma. Review status: no classification provided. Collection method: in vitro. Allele origin: not applicable. Functional consequence: retained intron. Not counted in ClinVar's aggregate classification.

NM_173560.4(RFX6):c.2176C>G (p.Arg726Gly)

Gene: RFX6 (regulatory factor X6; plus strand). Cytogenetic location: 6q22.1.
Variant type: single nucleotide variant.
Coding change: c.2176C>G on transcript NM_173560.4 (MANE Select); coding-DNA position 2176, C replaced by G.
Protein change: p.Arg726Gly; replaces arginine 726 with glycine.
Molecular consequence: missense variant.
Genome position (GRCh38, 1-based): chr6:116,927,317, C>G. VCF-style: chr6-116927317-C-G. GRCh37 (hg19) VCF-style: chr6-117248480-C-G.
Other names: short protein forms R726G.
Identifiers: ClinVar variation 393395 (VCV000393395.27), dbSNP rs144648002, ClinGen allele CA3973490.
Genomic context (GRCh38, chr6:116,927,317, plus strand): 5'-GTGTTTAGGGCACAGCCCCACTCCACATCAGGACTCTATCCTCATCACACCGAGCATGGT[C>G]GATGCATGGCTTGGACTGAACAGCAGCTTTCAAGAGACTTCTTCAGTGGCAGCTGTGCGG-3'
Protein context (NP_775831.2, residues 716-736): GLYPHHTEHG[Arg726Gly]CMAWTEQQLS